The following is an entry in ClinVar:

ClinVar aggregate classification (germline): Uncertain significance (1 of 4 stars; one submission).

Conditions:
Hereditary hyperferritinemia with congenital cataracts. Also called: Hereditary hyperferritinemia cataract syndrome; Bonneau-Beaumont syndrome; HYPERFERRITINEMIA WITH OR WITHOUT CATARACT. Identifiers: Orphanet 163, MedGen C1833213, MONDO:0010952, OMIM 600886.
Neuroferritinopathy (NBIA3). Also called: NEURODEGENERATION WITH BRAIN IRON ACCUMULATION 3; BASAL GANGLIA DISEASE, ADULT-ONSET. Identifiers: Orphanet 157846, MedGen C1853578, MONDO:0011638, OMIM 606159.

gnomAD v4.1: 2 of 621,734 alleles (0.00032%); highest among the groups gnomAD compares: Non-Finnish European, 0.00059%; no homozygotes.

Submission:

Labcorp Genetics (formerly Invitae), Labcorp
Classification: Uncertain significance for Neuroferritinopathy; Hereditary hyperferritinemia with congenital cataracts. Last evaluated: 2021-10-02. Review status: criteria provided, single submitter. Criteria: Invitae Variant Classification Sherloc (09022015). Collection method: clinical testing. Allele origin: germline.
Comment: The frequency data for this variant in the population databases is considered unreliable, as metrics indicate insufficient coverage at this position in the ExAC database. In summary, the available evidence is currently insufficient to determine the role of this variant in disease. Therefore, it has been classified as a Variant of Uncertain Significance. Experimental studies and prediction algorithms are not available or were not evaluated, and the functional significance of this variant is currently unknown. This variant has not been reported in the literature in individuals affected with FTL-related conditions. This variant occurs in a non-coding region of the FTL gene. It does not change the encoded amino acid sequence of the FTL protein.

NM_000146.4(FTL):c.-189G>T

Gene: FTL (ferritin light chain; plus strand). Cytogenetic location: 19q13.33.
Variant type: single nucleotide variant.
Coding change: c.-189G>T on transcript NM_000146.4 (MANE Select); 189 bases upstream of the start codon, G replaced by T.
Molecular consequence: 5 prime UTR variant.
Genome position (GRCh38, 1-based): chr19:48,965,319, G>T. VCF-style: chr19-48965319-G-T. GRCh37 (hg19) VCF-style: chr19-49468576-G-T.
Identifiers: ClinVar variation 1501803 (VCV001501803.6), dbSNP rs970038885, ClinGen allele CA883052079.
Genomic context (GRCh38, chr19:48,965,319, plus strand): 5'-CTCCGAGGGCCGGCGCACCATAAAAGAAGCCGCCCTAGCCACGTCCCCTCGCAGTTCGGC[G>T]GTCCCGCGGGTCTGTCTCTTGCTTCAACAGTGTTTGGACGGAACAGATCCGGGGACTCTC-3'